The following is an entry in ClinVar:

NM_000256.3(MYBPC3):c.1961G>A (p.Arg654His)

Gene: MYBPC3 (myosin binding protein C3; minus strand). Cytogenetic location: 11p11.2.
Variant type: single nucleotide variant.
Coding change: c.1961G>A on transcript NM_000256.3 (MANE Select); coding-DNA position 1961, G replaced by A.
Protein change: p.Arg654His; replaces arginine 654 with histidine.
Molecular consequence: missense variant.
Genome position (GRCh38, 1-based): chr11:47,339,757, C>T on the plus strand (G>A on the coding strand, the complement: MYBPC3 is on the minus strand). VCF-style: chr11-47339757-C-T. GRCh37 (hg19) VCF-style: chr11-47361308-C-T.
Other names: short protein forms R654H.
Identifiers: ClinVar variation 42588 (VCV000042588.29), dbSNP rs1800565, ClinGen allele CA011565.

ClinVar aggregate classification (germline): Conflicting classifications of pathogenicity. Review status: criteria provided, conflicting classifications (1 of 4 stars). 10 submissions from 10 submitters: Likely pathogenic (1); Uncertain significance (9). Last evaluated 2026-01-13.

Conditions:
Hypertrophic cardiomyopathy 4. Also called: Familial hypertrophic cardiomyopathy 4. Identifiers: MedGen C1861862, MONDO:0007268, OMIM 115197.
Left ventricular noncompaction 10 (LVNC10). Identifiers: Orphanet 154, Orphanet 54260, MedGen C3715165, MONDO:0014163, OMIM 615396.
Cardiovascular phenotype. Identifiers: MedGen CN230736.
Cardiomyopathy (CMYO). Also called: Cardiomyopathies. Identifiers: Orphanet 167848, MedGen C0878544, MONDO:0004994, HP:0001638. Inheritance: Various modes of inheritance.
Hypertrophic cardiomyopathy. Also called: HYPERTROPHIC MYOCARDIOPATHY. Identifiers: Orphanet 217569, MedGen C0007194, MeSH D002312, MONDO:0005045, HP:0001639.

Allele frequency attached by ClinVar (database versions not stated): gnomAD below 0.00001 and 0.00001; gnomAD exomes 0.00001 and 0.00002; TOPMed 0.00001.
gnomAD v4.1: 26 of 1,613,722 alleles (0.0016%); highest among the groups gnomAD compares: East Asian, 0.0089%; no homozygotes.

Submissions (10):

Labcorp Genetics (formerly Invitae), Labcorp
Classification: Uncertain significance for Hypertrophic cardiomyopathy. Last evaluated: 2026-01-13. Review status: criteria provided, single submitter. Criteria: Invitae Variant Classification Sherloc (09022015). Collection method: clinical testing. Allele origin: germline.
Comment: This sequence change replaces arginine, which is basic and polar, with histidine, which is basic and polar, at codon 654 of the MYBPC3 protein (p.Arg654His). This variant is present in population databases (rs1800565, gnomAD 0.02%). This missense change has been observed in individual(s) with MYBPC3-related conditions (PMID: 9541115, 11447480, 37937776). ClinVar contains an entry for this variant (Variation ID: 42588). An algorithm developed to predict the effect of missense changes on protein structure and function (PolyPhen-2) suggests that this variant is likely to be tolerated. Experimental studies have shown that this missense change affects MYBPC3 function (PMID: 12386147). In summary, the available evidence is currently insufficient to determine the role of this variant in disease. Therefore, it has been classified as a Variant of Uncertain Significance.

Institute of Human Genetics Munich, TUM University Hospital
Classification: Likely pathogenic for Hypertrophic cardiomyopathy 4. Last evaluated: 2024-05-03. Review status: criteria provided, single submitter. Criteria: Classification criteria August 2017. Collection method: clinical testing. Allele origin: maternal. Inheritance: Autosomal dominant inheritance. Affected: yes. Observed: 1 variant allele.

Color Diagnostics, LLC DBA Color Health
Classification: Uncertain significance for Cardiomyopathy. Last evaluated: 2024-04-01. Review status: criteria provided, single submitter. Criteria: ACMG Guidelines, 2015. Collection method: clinical testing. Allele origin: germline.
Comment: This missense variant replaces arginine with histidine at codon 654 of the MYBPC3 protein. Computational prediction tools indicate that this variant has a neutral impact on protein structure and function. In vitro functional studies have shown that this variant is likely to affect intramolecular interactions (PMID: 12386147, 12787675). This variant has been reported in two individuals affected with hypertrophic cardiomyopathy (PMID: 9541115, 11447480, 25132132). This variant has been identified in 6/249152 chromosomes in the general population by the Genome Aggregation Database (gnomAD). The available evidence is insufficient to determine the role of this variant in disease conclusively. Therefore, this variant is classified as a Variant of Uncertain Significance.

Blueprint Genetics
Classification: Uncertain significance. Last evaluated: 2024-02-27. Review status: criteria provided, single submitter. Criteria: ACMG Guidelines, 2015. Collection method: clinical testing. Allele origin: germline.

All of Us Research Program, National Institutes of Health
Classification: Uncertain significance for Hypertrophic cardiomyopathy. Last evaluated: 2023-12-01. Review status: criteria provided, single submitter. Criteria: ACMG Guidelines, 2015. Collection method: clinical testing. Allele origin: germline. Inheritance: Autosomal dominant inheritance. Observed: 4 variant alleles, 4 heterozygotes.
Comment: This missense variant replaces arginine with histidine at codon 654 of the MYBPC3 protein. Computational prediction suggests that this variant may not impact protein structure and function (internally defined REVEL score threshold <= 0.5, PMID: 27666373). In vitro functional studies have shown that this variant is likely to affect intramolecular interactions (PMID: 12386147, 12787675). This variant has also been identified in 6/249152 chromosomes in the general population by the Genome Aggregation Database (gnomAD). The available evidence is insufficient to determine the role of this variant in disease conclusively. Therefore, this variant is classified as a Variant of Uncertain Significance.

This study involves interpretation of variants in research participants for the purpose of population health screening. Participant phenotype was not available at the time of variant classification. Additional details can be found in publication PMID: 35346344, PMCID: PMC8962531

Victorian Clinical Genetics Services, Murdoch Childrens Research Institute
Classification: Uncertain significance for Left ventricular noncompaction 10. Last evaluated: 2022-06-24. Review status: criteria provided, single submitter. Criteria: ACMG Guidelines, 2015. Collection method: clinical testing. Allele origin: germline. Inheritance: Autosomal dominant inheritance. Affected: yes.
Comment: Based on the classification scheme VCGS_Germline_v1.3.4, this variant is classified as VUS-3C. Following criteria are met: 0102 - Loss of function is a known mechanism of disease in this gene and is associated with hypertrophic cardiomyopathy 4 (HCM; MIM#115197), left ventricular noncompaction 10 (MIM#615396) and dilated cardiomyopathy 1MM (MIM#615396) however, the ClinGen expert panel have assessed gene-disease association with DCM as limited. (I) 0108 - This gene is associated with both recessive and dominant disease. Dominant inheritance is frequently reported in adult onset conditions, however, recessive inheritance results in a more severe early-onset phenotype (OMIM). (I) 0115 - Variants in this gene are known to have variable expressivity in HCM (PMID: 32841044). (I) 0200 - Variant is predicted to result in a missense amino acid change from arginine to histidine. (I) 0251 - This variant is heterozygous. (I) 0304 - Variant is present in gnomAD <0.01 (v2: 6 heterozygotes, 0 homozygotes). (SP) 0309 - An alternative amino acid change at the same position has been observed in gnomAD (v2: 5 heterozygotes, 0 homozygotes). (I) 0503 - Missense variant consistently predicted to be tolerated by multiple in silico tools or not conserved in placental mammals with a minor amino acid change. (SB) 0600 - Variant is located in the annotated C5 domain (PMID: 12386147). (I) 0705 - No comparable missense variants have previous evidence for pathogenicity. Alternative changes to cysteine and glycine at the same amino acid residue have been reported in individuals with HCM or DCM, and also as VUS (ClinVar, PMIDs: 27532257, 21750094, 30984009, 25351510). However, both are more major amino acid changes. (I) 0808 - Previous reports of pathogenicity for this variant are conflicting. It has been reported as heterozygous in individuals with HCM (PMIDs: 9541115, 25132132) and also as VUS (ClinVar). (I) 1010 - Functional evidence for this variant is inconclusive. An in vitro study showed the MYBPC3 protein domain C5 in R654H mutant had significantly weaker binding to domain C8-C10 compared with wild type (PMID: 12386147). Another study showed R654H protein had normal folding and stability (PMID: 12787675). (I) 1208 - Inheritance information for this variant is not currently available in this individual. (I) Legend: (SP) - Supporting pathogenic, (I) - Information, (SB) - Supporting benign

Ambry Genetics
Classification: Uncertain significance for Cardiovascular phenotype. Last evaluated: 2022-03-09. Review status: criteria provided, single submitter. Criteria: Ambry Variant Classification Scheme 2023. Collection method: clinical testing. Allele origin: germline.

Fulgent Genetics
Classification: Uncertain significance for Hypertrophic cardiomyopathy 4; Left ventricular noncompaction 10. Last evaluated: 2021-10-21. Review status: criteria provided, single submitter. Criteria: ACMG Guidelines, 2015. Collection method: clinical testing. Allele origin: unknown.

Laboratory for Molecular Medicine, Mass General Brigham Personalized Medicine
Classification: Uncertain significance. Last evaluated: 2019-08-29. Review status: criteria provided, single submitter. Criteria: LMM Criteria. Collection method: clinical testing. Allele origin: germline. Observed: 1 variant allele.
Comment: The p.Arg654His variant in MYBPC3 has been reported in 1 individual with HCM (Moolman-Smook 1998) and 0.016% (3/17976) East Asian chromosomes by gnomAD. Functional studies suggest that this variant may impact the protein; though, it is not clear whether this would result in disease (Moolman-Smook 1998, Idowu 2003). Computational prediction tools and conservation analyses do not provide strong support for or against an impact to the protein. In summary, the clinical significance of this variant is uncertain. ACMG/AMP Criteria applied: None.

CHEO Genetics Diagnostic Laboratory, Children's Hospital of Eastern Ontario
Classification: Uncertain significance for Cardiomyopathy. Last evaluated: 2017-08-24. Review status: criteria provided, single submitter. Criteria: ACMG Guidelines, 2015. Collection method: clinical testing. Allele origin: germline. Study: Canadian Open Genetics Repository.

Literature cited by the submitters: PubMed 9541115 (cited by 5 submitters); PubMed 11447480 (cited by 3 submitters); PubMed 37937776 (cited by Labcorp Genetics (formerly Invitae), Labcorp); PubMed 12386147 (cited by 5 submitters); PubMed 12787675 (cited by 4 submitters); PubMed 25132132 (cited by Color Diagnostics, LLC DBA Color Health and Victorian Clinical Genetics Services, Murdoch Childrens Research Institute); PubMed 21750094 (cited by Victorian Clinical Genetics Services, Murdoch Childrens Research Institute); PubMed 25351510 (cited by Victorian Clinical Genetics Services, Murdoch Childrens Research Institute); PubMed 27532257 (cited by Victorian Clinical Genetics Services, Murdoch Childrens Research Institute); PubMed 30984009 (cited by Victorian Clinical Genetics Services, Murdoch Childrens Research Institute); PubMed 32841044 (cited by Victorian Clinical Genetics Services, Murdoch Childrens Research Institute); PubMed 21310275 (cited by Laboratory for Molecular Medicine, Mass General Brigham Personalized Medicine).